The following is an entry in ClinVar:

ClinVar aggregate classification (germline): Uncertain significance (1 of 4 stars; one submission).

Conditions:
Myofibrillar myopathy 6. Identifiers: Orphanet 199340, MedGen C2751831, MONDO:0013061, OMIM 612954.
Dilated cardiomyopathy 1HH (CMD1HH). Identifiers: Orphanet 154, MedGen C3151293, MONDO:0013479, OMIM 613881.

Submission:

Labcorp Genetics (formerly Invitae), Labcorp
Classification: Uncertain significance for Dilated cardiomyopathy 1HH; Myofibrillar myopathy 6. Last evaluated: 2024-02-11. Review status: criteria provided, single submitter. Criteria: Invitae Variant Classification Sherloc (09022015). Collection method: clinical testing. Allele origin: germline.
Comment: This sequence change replaces isoleucine, which is neutral and non-polar, with valine, which is neutral and non-polar, at codon 499 of the BAG3 protein (p.Ile499Val). This variant is not present in population databases (gnomAD no frequency). This variant has not been reported in the literature in individuals affected with BAG3-related conditions. Advanced modeling of protein sequence and biophysical properties (such as structural, functional, and spatial information, amino acid conservation, physicochemical variation, residue mobility, and thermodynamic stability) performed at Invitae indicates that this missense variant is not expected to disrupt BAG3 protein function with a negative predictive value of 80%. In summary, the available evidence is currently insufficient to determine the role of this variant in disease. Therefore, it has been classified as a Variant of Uncertain Significance.

NM_004281.4(BAG3):c.1495A>G (p.Ile499Val)

Gene: BAG3 (BAG cochaperone 3; plus strand). Cytogenetic location: 10q26.11.
Variant type: single nucleotide variant.
Coding change: c.1495A>G on transcript NM_004281.4 (MANE Select); coding-DNA position 1495, A replaced by G.
Protein change: p.Ile499Val; replaces isoleucine 499 with valine.
Molecular consequence: missense variant.
Genome position (GRCh38, 1-based): chr10:119,677,049, A>G. VCF-style: chr10-119677049-A-G. GRCh37 (hg19) VCF-style: chr10-121436561-A-G.
Other names: short protein forms I499V.
Identifiers: ClinVar variation 3751913 (VCV003751913.2).
Genomic context (GRCh38, chr10:119,677,049, plus strand): 5'-GCCAGGAGAGACGGTGTCAGGAAGGTTCAGACCATCTTGGAAAAACTTGAACAGAAAGCC[A>G]TTGATGTCCCAGGTCAAGTCCAGGTCTATGAACTCCAGCCCAGCAACCTTGAAGCAGATC-3'
Protein context (NP_004272.2, residues 489-509): TILEKLEQKA[Ile499Val]DVPGQVQVYE